The following is an entry in ClinVar:

NM_001122630.2(CDKN1C):c.518C>T (p.Pro173Leu)

Gene: CDKN1C (cyclin dependent kinase inhibitor 1C; minus strand). Cytogenetic location: 11p15.4.
Variant type: single nucleotide variant.
Coding change: c.518C>T on transcript NM_001122630.2 (MANE Select); coding-DNA position 518, C replaced by T.
Protein change: p.Pro173Leu; replaces proline 173 with leucine.
Molecular consequence: missense variant. On other transcripts: intron variant (1).
Genome position (GRCh38, 1-based): chr11:2,884,939, G>A on the plus strand (C>T on the coding strand, the complement: CDKN1C is on the minus strand). VCF-style: chr11-2884939-G-A. GRCh37 (hg19) VCF-style: chr11-2906169-G-A.
Other names: c.551C>T, p.Pro184Leu (NM_000076.2, NM_001362474.2); c.518C>T, p.Pro173Leu (NM_001122631.2); c.255+263C>T (NM_001362475.2); short protein forms P173L, P184L.
Identifiers: ClinVar variation 1394706 (VCV001394706.9), dbSNP rs1050598447, ClinGen allele CA216367307.

ClinVar aggregate classification (germline): Uncertain significance. Review status: criteria provided, multiple submitters, no conflicts (2 of 4 stars). 2 submissions from 2 submitters: Uncertain significance (2). Last evaluated 2024-09-30.

Conditions:
Beckwith-Wiedemann syndrome (BWS). Also called: EMG SYNDROME; Exomphalos macroglossia gigantism syndrome. Identifiers: Orphanet 116, MedGen C0004903, MONDO:0007534, OMIM 130650.

Allele frequency attached by ClinVar (database versions not stated): gnomAD 0.00001; TOPMed 0.00001.
gnomAD v4.1: 6 of 959,034 alleles (0.00063%); highest among the groups gnomAD compares: African/African-American, 0.0035%; no homozygotes.

Submissions (2):

Labcorp Genetics (formerly Invitae), Labcorp
Classification: Uncertain significance for Beckwith-Wiedemann syndrome. Last evaluated: 2024-09-30. Review status: criteria provided, single submitter. Criteria: Invitae Variant Classification Sherloc (09022015). Collection method: clinical testing. Allele origin: germline.
Comment: This sequence change replaces proline, which is neutral and non-polar, with leucine, which is neutral and non-polar, at codon 184 of the CDKN1C protein (p.Pro184Leu). The frequency data for this variant in the population databases is considered unreliable, as metrics indicate insufficient coverage at this position in the gnomAD database. This variant has not been reported in the literature in individuals affected with CDKN1C-related conditions. ClinVar contains an entry for this variant (Variation ID: 1394706). Invitae Evidence Modeling of protein sequence and biophysical properties (such as structural, functional, and spatial information, amino acid conservation, physicochemical variation, residue mobility, and thermodynamic stability) indicates that this missense variant is not expected to disrupt CDKN1C protein function with a negative predictive value of 80%. In summary, the available evidence is currently insufficient to determine the role of this variant in disease. Therefore, it has been classified as a Variant of Uncertain Significance.

GeneDx
Classification: Uncertain significance. Last evaluated: 2023-08-02. Review status: criteria provided, single submitter. Criteria: GeneDx Variant Classification Process June 2021. Collection method: clinical testing. Allele origin: germline. Affected: yes.
Comment: Not observed at significant frequency in large population cohorts (gnomAD); In silico analysis supports that this missense variant does not alter protein structure/function; Has not been previously published as pathogenic or benign to our knowledge